The following is an entry in ClinVar:

NM_002693.3(POLG):c.2302A>G (p.Lys768Glu)

Gene: POLG (DNA polymerase gamma, catalytic subunit; minus strand). Cytogenetic location: 15q26.1.
Variant type: single nucleotide variant.
Coding change: c.2302A>G on transcript NM_002693.3 (MANE Select); coding-DNA position 2302, A replaced by G.
Protein change: p.Lys768Glu; replaces lysine 768 with glutamic acid.
Molecular consequence: missense variant.
Genome position (GRCh38, 1-based): chr15:89,322,866, T>C on the plus strand (A>G on the coding strand, the complement: POLG is on the minus strand). VCF-style: chr15-89322866-T-C. GRCh37 (hg19) VCF-style: chr15-89866097-T-C.
Other names: c.2302A>G, p.Lys768Glu (NM_001126131.2); short protein forms K768E.
Identifiers: ClinVar variation 2736253 (VCV002736253.3), dbSNP rs2509227155, ClinGen allele CA393756526.

ClinVar aggregate classification (germline): Uncertain significance (1 of 4 stars; one submission).

Conditions:
Progressive sclerosing poliodystrophy (MTDPS4A). Also called: ALPERS PROGRESSIVE INFANTILE POLIODYSTROPHY; NEURONAL DEGENERATION OF CHILDHOOD WITH LIVER DISEASE, PROGRESSIVE; Alpers Syndrome; ALPERS DIFFUSE DEGENERATION OF CEREBRAL GRAY MATTER WITH HEPATIC CIRRHOSIS; Alpers-Huttenlocher Syndrome; Mitochondrial DNA depletion syndrome 4A (Alpers type). Identifiers: Orphanet 726, MedGen C0205710, MONDO:0008758, OMIM 203700.

Submission:

Labcorp Genetics (formerly Invitae), Labcorp
Classification: Uncertain significance for Progressive sclerosing poliodystrophy. Last evaluated: 2023-02-24. Review status: criteria provided, single submitter. Criteria: Invitae Variant Classification Sherloc (09022015). Collection method: clinical testing. Allele origin: germline.
Comment: Advanced modeling of protein sequence and biophysical properties (such as structural, functional, and spatial information, amino acid conservation, physicochemical variation, residue mobility, and thermodynamic stability) performed at Invitae indicates that this missense variant is expected to disrupt POLG protein function. This missense change has been observed in individual(s) with autosomal recessive clinical features of POLG-related conditions (PMID: 23921535). This variant is not present in population databases (gnomAD no frequency). This sequence change replaces lysine, which is basic and polar, with glutamic acid, which is acidic and polar, at codon 768 of the POLG protein (p.Lys768Glu). In summary, the available evidence is currently insufficient to determine the role of this variant in disease. Therefore, it has been classified as a Variant of Uncertain Significance.

Literature cited by the submitters: PubMed 23921535.